The following is an entry in ClinVar:

ClinVar aggregate classification (germline): Conflicting classifications of pathogenicity. Review status: criteria provided, conflicting classifications (1 of 4 stars). 6 submissions from 6 submitters: Uncertain significance (5); Likely benign (1). Last evaluated 2025-09-22.

Conditions:
Hereditary cancer-predisposing syndrome. Also called: Neoplastic Syndromes, Hereditary; Hereditary neoplastic syndrome; Tumor predisposition; Hereditary Cancer Syndrome. Identifiers: Orphanet 140162, MedGen C0027672, MeSH D009386, MONDO:0015356.
Breast-ovarian cancer, familial, susceptibility to, 1 (BROVCA1). Also called: BRCA1 Hereditary Breast and Ovarian Cancer; OVARIAN CANCER, SUSCEPTIBILITY TO. Identifiers: Orphanet 145, MedGen C2676676, MONDO:0011450, OMIM 604370. Disease mechanism: loss of function.

Allele frequency attached by ClinVar (database versions not stated): gnomAD exomes below 0.00001.
gnomAD v4.1: 4 of 1,614,106 alleles (0.00025%); highest among the groups gnomAD compares: South Asian, 0.0044%; no homozygotes.

Submissions (6):

Color Diagnostics, LLC DBA Color Health
Classification: Uncertain significance for Hereditary cancer-predisposing syndrome. Last evaluated: 2025-09-22. Review status: criteria provided, single submitter. Criteria: ACMG Guidelines, 2015. Collection method: clinical testing. Allele origin: germline.
Comment: This missense variant replaces serine with asparagine at codon 316 of the BRCA1 protein. Computational prediction suggests that this variant may not impact protein structure and function. To our knowledge, functional studies have not been reported for this variant. This variant has not been reported in individuals affected with BRCA1-related disorders in the literature. This variant has been identified in 1/251398 chromosomes in the general population by the Genome Aggregation Database (gnomAD). The available evidence is insufficient to determine the role of this variant in disease conclusively. Therefore, this variant is classified as a Variant of Uncertain Significance.

Ambry Genetics
Classification: Uncertain significance for Hereditary cancer-predisposing syndrome. Last evaluated: 2024-09-17. Review status: criteria provided, single submitter. Criteria: Ambry Variant Classification Scheme 2023. Collection method: clinical testing. Allele origin: germline.
Comment: The p.S316N variant (also known as c.947G>A), located in coding exon 9 of the BRCA1 gene, results from a G to A substitution at nucleotide position 947. The serine at codon 316 is replaced by asparagine, an amino acid with highly similar properties. This amino acid position is highly conserved in available vertebrate species. In addition, the in silico prediction for this alteration is inconclusive. Since supporting evidence is limited at this time, the clinical significance of this alteration remains unclear.

Neuberg Centre For Genomic Medicine, NCGM
Classification: Uncertain significance for Breast-ovarian cancer, familial, susceptibility to, 1. Last evaluated: 2023-06-22. Review status: criteria provided, single submitter. Criteria: ACMG Guidelines, 2015. Collection method: clinical testing. Allele origin: germline. Inheritance: Autosomal dominant inheritance. Affected: yes.
Comment: The missense variant c.947G>A (p.Ser316Asn) in the BRCA1 gene has not been reported previously as a pathogenic variant nor as a benign variant, to our knowledge. This variant is reported with the allele frequency (0.0003%) in the gnomAD Exomes. This variant has been reported to the ClinVar database as Uncertain Significance/ Likely Benign. However, no details are available for independent assessment. The amino acid Ser at position 316 is changed to a Asn changing protein sequence and it might alter its composition and physico-chemical properties. Multiple lines of computational evidence (Polyphen - Damaging and MutationTaster - Disease causing) predict a damaging effect on protein structure and function for this variant. The amino acid change p.Ser316Asn in BRCA1 is predicted as conserved by GERP++ and PhyloP across 100 vertebrates. For these reasons, this variant has been classified as Uncertain Significance.

University of Washington Department of Laboratory Medicine, University of Washington
Classification: Likely benign for Hereditary cancer-predisposing syndrome. Last evaluated: 2023-03-23. Review status: criteria provided, single submitter. Criteria: Dines et al. (Genet Med. 2020). Collection method: curation. Allele origin: germline.
Comment: Missense variant in a coldspot region where missense variants are very unlikely to be pathogenic (PMID:31911673).

BRCA1 coldspot (exon 11 using historical exon numbering). Reclassification based on statistical prior probability

Quest Diagnostics Nichols Institute San Juan Capistrano
Classification: Uncertain significance. Last evaluated: 2018-02-02. Review status: criteria provided, single submitter. Criteria: Quest Diagnostics criteria. Collection method: clinical testing. Allele origin: germline.

Molecular Endocrinology Laboratory, Christian Medical College
Classification: Uncertain significance for Breast-ovarian cancer, familial, susceptibility to, 1. Review status: criteria provided, single submitter. Criteria: ACMG Guidelines, 2015. Collection method: clinical testing. Allele origin: germline. Affected: yes.

NM_007294.4(BRCA1):c.947G>A (p.Ser316Asn)

Gene: BRCA1 (BRCA1 DNA repair associated; minus strand). Cytogenetic location: 17q21.31.
Variant type: single nucleotide variant.
Coding change: c.947G>A on transcript NM_007294.4 (MANE Select); coding-DNA position 947, G replaced by A.
Protein change: p.Ser316Asn; replaces serine 316 with asparagine.
Molecular consequence: missense variant. On other transcripts: intron variant (137).
Genome position (GRCh38, 1-based): chr17:43,094,584, C>T on the plus strand (G>A on the coding strand, the complement: BRCA1 is on the minus strand). VCF-style: chr17-43094584-C-T. GRCh37 (hg19) VCF-style: chr17-41246601-C-T.
Other names: c.734G>A, p.Ser245Asn (NM_001407571.1, NM_001407915.1, NM_001407916.1 and 9 more transcripts); c.947G>A, p.Ser316Asn (NM_001407581.1, NM_001407582.1, NM_001407583.1 and 30 more transcripts); c.944G>A, p.Ser315Asn (NM_001407587.1, NM_001407590.1, NM_001407591.1 and 22 more transcripts); c.869G>A, p.Ser290Asn (NM_001407654.1, NM_001407655.1, NM_001407656.1 and 4 more transcripts); c.866G>A, p.Ser289Asn (NM_001407659.1, NM_001407660.1, NM_001407661.1 and 1 more transcripts); c.821G>A, p.Ser274Asn (NM_001407673.1, NM_001407940.1, NM_001407941.1 and 11 more transcripts); c.824G>A, p.Ser275Asn (NM_001407674.1, NM_001407675.1, NM_001407676.1 and 19 more transcripts); c.806G>A, p.Ser269Asn (NM_001407692.1, NM_001407694.1, NM_001407695.1 and 29 more transcripts); and 40 more; short protein forms S316N, S269N, S20N, S268N, S289N, S290N, S148N, S204N.
Identifiers: ClinVar variation 441333 (VCV000441333.13), dbSNP rs1465372282, ClinGen allele CA10600175.